The following is an entry in ClinVar:

NM_001367534.1(CAMK2G):c.1444A>G (p.Ile482Val)

Gene: CAMK2G (calcium/calmodulin dependent protein kinase II gamma; minus strand). Cytogenetic location: 10q22.2.
Variant type: single nucleotide variant.
Coding change: c.1444A>G on transcript NM_001367534.1 (MANE Select); coding-DNA position 1444, A replaced by G.
Protein change: p.Ile482Val; replaces isoleucine 482 with valine.
Molecular consequence: missense variant. On other transcripts: 3 prime UTR variant (2), non-coding transcript variant (8).
Genome position (GRCh38, 1-based): chr10:73,817,113, T>C on the plus strand (A>G on the coding strand, the complement: CAMK2G is on the minus strand). VCF-style: chr10-73817113-T-C. GRCh37 (hg19) VCF-style: chr10-75576871-T-C.
Other names: c.1297A>G, p.Ile433Val (NM_001204492.2, NM_001367521.1); c.1165A>G, p.Ile389Val (NM_001222.4, NM_001367541.1); c.1375A>G, p.Ile459Val (NM_001320898.2, NM_001367546.1, NM_001367547.1); c.1324A>G, p.Ile442Val (NM_001367514.1, NM_001367525.1); c.1234A>G, p.Ile412Val (NM_001367516.1, NM_001367517.1, NM_001367529.1 and 1 more transcripts); c.1312A>G, p.Ile438Val (NM_001367518.1, NM_001367522.1); c.1198A>G, p.Ile400Val (NM_001367519.1, NM_001367530.1); c.1306A>G, p.Ile436Val (NM_001367520.1, NM_001367533.1); and 18 more; short protein forms I167V, I220V, I285V, I323V, I368V, I377V, I389V, I398V.
Identifiers: ClinVar variation 2502105 (VCV002502105.1), dbSNP rs2547843496, ClinGen allele CA377297439.

ClinVar aggregate classification (germline): Uncertain significance (1 of 4 stars; one submission).

Submission:

GeneDx
Classification: Uncertain significance. Last evaluated: 2022-11-09. Review status: criteria provided, single submitter. Criteria: GeneDx Variant Classification Process June 2021. Collection method: clinical testing. Allele origin: germline. Affected: yes.
Comment: Not observed at significant frequency in large population cohorts (gnomAD); In silico analysis supports that this missense variant does not alter protein structure/function; Has not been previously published as pathogenic or benign to our knowledge